The following is an entry in ClinVar:

NM_194454.3(KRIT1):c.1905T>G (p.Tyr635Ter)

Gene: KRIT1 (KRIT1 ankyrin repeat containing; minus strand). Cytogenetic location: 7q21.2.
Variant type: single nucleotide variant.
Coding change: c.1905T>G on transcript NM_194454.3 (MANE Select); coding-DNA position 1905, T replaced by G.
Protein change: p.Tyr635Ter; replaces tyrosine 635 with a stop codon.
Molecular consequence: nonsense.
Genome position (GRCh38, 1-based): chr7:92,213,315, A>C on the plus strand (T>G on the coding strand, the complement: KRIT1 is on the minus strand). VCF-style: chr7-92213315-A-C. GRCh37 (hg19) VCF-style: chr7-91842629-A-C.
Other names: c.1761T>G, p.Tyr587Ter (NM_001013406.2, NM_001350669.1, NM_001350670.1); c.1191T>G, p.Tyr397Ter (NM_001350671.1); c.1905T>G, p.Tyr635Ter (NM_001350672.1, NM_001350673.1, NM_001350674.1 and 26 more transcripts); short protein forms Y397*, Y635*, Y587*.
Identifiers: ClinVar variation 2735044 (VCV002735044.5), dbSNP rs140072597, ClinGen allele CA368139972.
Genomic context (GRCh38, chr7:92,213,315, plus strand): 5'-GACTTTATGATTGCTGGGGCTTGCCTTTGTAAATATCTGTCCTGTGAAAAATGCTGCTCC[A>C]TAAGTAGGAATTTCCCAGCAATTCTGTAAGAACATGCGCTGAAGGTGATGCATTTCTTTA-3'

ClinVar aggregate classification (germline): Pathogenic. Review status: criteria provided, multiple submitters, no conflicts (2 of 4 stars). 3 submissions from 3 submitters: Pathogenic (3). Last evaluated 2024-01-10.

Conditions:
Cerebral cavernous malformation (CCM). Also called: CAVERNOUS ANGIOMA, FAMILIAL; CAVERNOUS ANGIOMATOUS MALFORMATIONS; CEREBRAL CAPILLARY MALFORMATIONS; Cavernous Hemangioma of Brain; Cerebral cavernous hemangioma (type); Cerebral cavernous malformations. Identifiers: Orphanet 221061, MedGen C2919945, MONDO:0000820, OMIM 116860, HP:0033522.
KRIT1-related disorder. Also called: KRIT1-related disorders; KRIT1-related condition.

Submissions (3):

GeneDx
Classification: Pathogenic. Last evaluated: 2024-01-10. Review status: criteria provided, single submitter. Criteria: GeneDx Variant Classification Process June 2021. Collection method: clinical testing. Allele origin: germline. Affected: yes.
Comment: Nonsense variant predicted to result in protein truncation or nonsense mediated decay in a gene for which loss of function is a known mechanism of disease; Not observed at significant frequency in large population cohorts (gnomAD); This variant is associated with the following publications: (PMID: 25525159, 12404106)

Labcorp Genetics (formerly Invitae), Labcorp
Classification: Pathogenic for Cerebral cavernous malformation. Last evaluated: 2023-08-31. Review status: criteria provided, single submitter. Criteria: Invitae Variant Classification Sherloc (09022015). Collection method: clinical testing. Allele origin: germline.
Comment: For these reasons, this variant has been classified as Pathogenic. Algorithms developed to predict the effect of sequence changes on RNA splicing suggest that this variant may disrupt the consensus splice site. This premature translational stop signal has been observed in individual(s) with cerebral cavernous malformations (PMID: 12404106). This variant is not present in population databases (gnomAD no frequency). This sequence change creates a premature translational stop signal (p.Tyr635*) in the KRIT1 gene. It is expected to result in an absent or disrupted protein product. Loss-of-function variants in KRIT1 are known to be pathogenic (PMID: 10508515, 11222804, 12404106, 24689081).

Blueprint Genetics
Classification: Pathogenic for KRIT1-related disorders. Last evaluated: 2021-06-21. Review status: criteria provided, single submitter. Criteria: ACMG Guidelines, 2015. Collection method: clinical testing. Allele origin: germline. Affected: yes. Observed: 2 variant alleles.

Literature cited by the submitters: PubMed 12404106 (cited by Labcorp Genetics (formerly Invitae), Labcorp); PubMed 10508515 (cited by Labcorp Genetics (formerly Invitae), Labcorp); PubMed 11222804 (cited by Labcorp Genetics (formerly Invitae), Labcorp); PubMed 24689081 (cited by Labcorp Genetics (formerly Invitae), Labcorp).